The following is an entry in ClinVar:

NM_004304.5(ALK):c.1427T>A (p.Val476Glu)

Gene: ALK (ALK receptor tyrosine kinase; minus strand). Cytogenetic location: 2p23.2.
Variant type: single nucleotide variant.
Coding change: c.1427T>A on transcript NM_004304.5 (MANE Select); coding-DNA position 1427, T replaced by A.
Protein change: p.Val476Glu; replaces valine 476 with glutamic acid.
Molecular consequence: missense variant.
Genome position (GRCh38, 1-based): chr2:29,320,870, A>T on the plus strand (T>A on the coding strand, the complement: ALK is on the minus strand). VCF-style: chr2-29320870-A-T. GRCh37 (hg19) VCF-style: chr2-29543736-A-T.
Other names: short protein forms V476E.
Identifiers: ClinVar variation 3286126 (VCV003286126.1).

ClinVar aggregate classification (germline): Uncertain significance (1 of 4 stars; one submission).

Conditions:
Hereditary cancer-predisposing syndrome. Also called: Tumor predisposition; Hereditary Cancer Syndrome; Hereditary neoplastic syndrome; Neoplastic Syndromes, Hereditary. Identifiers: Orphanet 140162, MedGen C0027672, MeSH D009386, MONDO:0015356.

Submission:

Ambry Genetics
Classification: Uncertain significance for Hereditary cancer-predisposing syndrome. Last evaluated: 2024-05-04. Review status: criteria provided, single submitter. Criteria: Ambry Variant Classification Scheme 2023. Collection method: clinical testing. Allele origin: germline.
Comment: The p.V476E variant (also known as c.1427T>A), located in coding exon 7 of the ALK gene, results from a T to A substitution at nucleotide position 1427. The valine at codon 476 is replaced by glutamic acid, an amino acid with dissimilar properties. This amino acid position is conserved. In addition, this alteration is predicted to be tolerated by in silico analysis. Based on the available evidence, the clinical significance of this variant remains unclear.